The following is an entry in ClinVar:

NM_005045.4(RELN):c.8656C>T (p.His2886Tyr)

Genes: RELN (reelin; minus strand), SLC26A5-AS1 (SLC26A5 antisense RNA 1; plus strand). Cytogenetic location: 7q22.1.
Variant type: single nucleotide variant.
Coding change: c.8656C>T on transcript NM_005045.4 (MANE Select); coding-DNA position 8656, C replaced by T.
Protein change: p.His2886Tyr; replaces histidine 2886 with tyrosine.
Molecular consequence: missense variant.
Genome position (GRCh38, 1-based): chr7:103,500,756, G>A on the plus strand (C>T on the coding strand, the complement: RELN is on the minus strand). VCF-style: chr7-103500756-G-A. GRCh37 (hg19) VCF-style: chr7-103141203-G-A.
Other names: c.8656C>T, p.His2886Tyr (NM_173054.3); short protein forms H2886Y.
Identifiers: ClinVar variation 959452 (VCV000959452.9), dbSNP rs749712401, ClinGen allele CA4420439.
Genomic context (GRCh38, chr7:103,500,756, plus strand): 5'-CATGACCCATGATGTGAGTAATGCGTCTTGTCCAGGGCTTTACCCTTACCTTCAGAGTGT[G>A]GGTCAAGTAGCAGTTTGGCCCTGAGTATCCCGGATCACAGATGCACTGTTCCCTTAAGCA-3'
Protein context (NP_005036.2, residues 2876-2896): GYSGPNCYLT[His2886Tyr]TLKTFLKERF

ClinVar aggregate classification (germline): Uncertain significance (1 of 4 stars; one submission).

Conditions:
Familial temporal lobe epilepsy 7. Identifiers: Orphanet 101046, MedGen C4225327, MONDO:0014639, OMIM 616436.
Norman-Roberts syndrome (LIS2). Also called: Lissencephaly 2 (Norman-Roberts type). Identifiers: Orphanet 89844, MedGen C0796089, MONDO:0009760, OMIM 257320.

Allele frequency attached by ClinVar (database versions not stated): TOPMed 0.00001.

Submission:

Labcorp Genetics (formerly Invitae), Labcorp
Classification: Uncertain significance for Familial temporal lobe epilepsy 7; Norman-Roberts syndrome. Last evaluated: 2022-07-26. Review status: criteria provided, single submitter. Criteria: Invitae Variant Classification Sherloc (09022015). Collection method: clinical testing. Allele origin: germline.
Comment: In summary, the available evidence is currently insufficient to determine the role of this variant in disease. Therefore, it has been classified as a Variant of Uncertain Significance. Algorithms developed to predict the effect of missense changes on protein structure and function are either unavailable or do not agree on the potential impact of this missense change (SIFT: "Deleterious"; PolyPhen-2: "Benign"; Align-GVGD: "Class C0"). ClinVar contains an entry for this variant (Variation ID: 959452). This variant has not been reported in the literature in individuals affected with RELN-related conditions. This variant is present in population databases (rs749712401, gnomAD 0.006%). This sequence change replaces histidine, which is basic and polar, with tyrosine, which is neutral and polar, at codon 2886 of the RELN protein (p.His2886Tyr).